The following is an entry in ClinVar:

NM_001943.5(DSG2):c.1173C>T (p.Ser391=)

Gene: DSG2 (desmoglein 2; plus strand). Cytogenetic location: 18q12.1.
Variant type: single nucleotide variant.
Coding change: c.1173C>T on transcript NM_001943.5 (MANE Select); coding-DNA position 1173, C replaced by T.
Protein change: p.Ser391=; no amino-acid change (serine 391 retained).
Molecular consequence: synonymous variant.
Genome position (GRCh38, 1-based): chr18:31,531,145, C>T. VCF-style: chr18-31531145-C-T. GRCh37 (hg19) VCF-style: chr18-29111108-C-T.
Other names: c.1173C>T (LRG_397t1).
Identifiers: ClinVar variation 519309 (VCV000519309.17), dbSNP rs763242004, ClinGen allele CA041572.

ClinVar aggregate classification (germline): Likely benign. Review status: criteria provided, multiple submitters, no conflicts (2 of 4 stars). 4 submissions from 4 submitters: Likely benign (4). Last evaluated 2025-12-13.

Conditions:
Cardiovascular phenotype. Identifiers: MedGen CN230736.
Cardiomyopathy (CMYO). Also called: Cardiomyopathies. Identifiers: Orphanet 167848, MedGen C0878544, MONDO:0004994, HP:0001638. Inheritance: Various modes of inheritance.
Arrhythmogenic right ventricular dysplasia 10. Also called: Arrhythmogenic right ventricular dysplasia/cardiomyopathy, type 10; Arrhythmogenic Right Ventricular Dysplasia/Cardiomyopathy10; ARRHYTHMOGENIC RIGHT VENTRICULAR DYSPLASIA, FAMILIAL, 10. Identifiers: MedGen C1857777, MONDO:0012434, OMIM 610193.
Arrhythmogenic right ventricular cardiomyopathy (ARVD). Also called: Arrhythmogenic cardiomyopathy; Arrhythmogenic Right Ventricular Cardiomyopathy (ARVC); Cardiomyopathy, ARVC; Arrhythmogenic right ventricular dysplasia. Identifiers: Orphanet 247, MedGen C0349788, MeSH D019571, MONDO:0016587. Disease mechanism: loss of function. Inheritance: Various modes of inheritance.

Allele frequency attached by ClinVar (database versions not stated): gnomAD 0.00001; gnomAD exomes 0.00001; TOPMed 0.00001; ExAC 0.00002.
gnomAD v4.1: 13 of 1,613,972 alleles (0.00081%); highest among the groups gnomAD compares: Admixed American, 0.0033%; no homozygotes.

Submissions (4):

Labcorp Genetics (formerly Invitae), Labcorp
Classification: Likely benign for Arrhythmogenic right ventricular dysplasia 10. Last evaluated: 2025-12-13. Review status: criteria provided, single submitter. Criteria: Invitae Variant Classification Sherloc (09022015). Collection method: clinical testing. Allele origin: germline.

All of Us Research Program, National Institutes of Health
Classification: Likely benign for Arrhythmogenic right ventricular cardiomyopathy. Last evaluated: 2023-12-13. Review status: criteria provided, single submitter. Criteria: ACMG Guidelines, 2015. Collection method: clinical testing. Allele origin: germline. Inheritance: Autosomal dominant inheritance. Observed: 3 variant alleles, 3 heterozygotes.
Comment: This study involves interpretation of variants in research participants for the purpose of population health screening. Participant phenotype was not available at the time of variant classification. Additional details can be found in publication PMID: 35346344, PMCID: PMC8962531

Color Diagnostics, LLC DBA Color Health
Classification: Likely benign for Cardiomyopathy. Last evaluated: 2018-11-09. Review status: criteria provided, single submitter. Criteria: ACMG Guidelines, 2015. Collection method: clinical testing. Allele origin: germline.

Ambry Genetics
Classification: Likely benign for Cardiovascular phenotype. Last evaluated: 2016-08-16. Review status: criteria provided, single submitter. Criteria: Ambry Variant Classification Scheme 2023. Collection method: clinical testing. Allele origin: germline.